The following is an entry in ClinVar:

ClinVar aggregate classification (germline): Likely benign (0 of 4 stars; one submission).

Conditions:
SUMF1-related disorder. Also called: SUMF1-related condition.

Submission:

PreventionGenetics, part of Exact Sciences
Classification: Likely benign for SUMF1-related condition. Last evaluated: 2024-05-16. Review status: no assertion criteria provided. Collection method: clinical testing. Allele origin: germline.
Comment: This variant is classified as likely benign based on ACMG/AMP sequence variant interpretation guidelines (Richards et al. 2015 PMID: 25741868, with internal and published modifications).

NM_182760.4(SUMF1):c.444+5T>G

Gene: SUMF1 (sulfatase modifying factor 1; minus strand). Cytogenetic location: 3p26.1.
Variant type: single nucleotide variant.
Coding change: c.444+5T>G on transcript NM_182760.4 (MANE Select); 5 bases into the intron after coding-DNA position 444, T replaced by G.
Molecular consequence: intron variant.
Genome position (GRCh38, 1-based): chr3:4,452,871, A>C on the plus strand (T>G on the coding strand, the complement: SUMF1 is on the minus strand). VCF-style: chr3-4452871-A-C. GRCh37 (hg19) VCF-style: chr3-4494555-A-C.
Other names: c.444+5T>G (NM_001164674.2, NM_001164675.2).
Identifiers: ClinVar variation 3350474 (VCV003350474.1).